The following is an entry in ClinVar:

ClinVar aggregate classification (germline): Uncertain significance (1 of 4 stars; one submission).

gnomAD v4.1: 1 of 1,555,496 alleles (0.000064%); highest among the groups gnomAD compares: Non-Finnish European, 0.000087%; no homozygotes.

Submission:

Ambry Genetics
Classification: Uncertain significance. Last evaluated: 2025-01-09. Review status: criteria provided, single submitter. Criteria: Ambry Variant Classification Scheme 2023. Collection method: clinical testing. Allele origin: germline.
Comment: The p.A2094D variant (also known as c.6281C>A), located in coding exon 27 of the WNK2 gene, results from a C to A substitution at nucleotide position 6281. The alanine at codon 2094 is replaced by aspartic acid, an amino acid with dissimilar properties. This amino acid position is conserved. In addition, this alteration is predicted to be tolerated by in silico analysis. Based on the available evidence, the clinical significance of this variant remains unclear.

NM_006648.4(WNK2):c.6281C>A (p.Ala2094Asp)

Gene: WNK2 (WNK lysine deficient protein kinase 2; plus strand). Cytogenetic location: 9q22.31.
Variant type: single nucleotide variant.
Coding change: c.6281C>A on transcript NM_006648.4 (MANE Select); coding-DNA position 6281, C replaced by A.
Protein change: p.Ala2094Asp; replaces alanine 2094 with aspartic acid.
Molecular consequence: missense variant.
Genome position (GRCh38, 1-based): chr9:93,308,349, C>A. VCF-style: chr9-93308349-C-A. GRCh37 (hg19) VCF-style: chr9-96070631-C-A.
Other names: c.6392C>A, p.Ala2131Asp (NM_001282394.3); short protein forms A2131D, A2094D.
Identifiers: ClinVar variation 3816793 (VCV003816793.1).
Genomic context (GRCh38, chr9:93,308,349, plus strand): 5'-TGTGGCGTCACCAATCCTGGCCTGTGTGTGACTCCCCAGGGTCCTCCACCAGCAGCCTGG[C>A]CCCAGGCCCTGAGCCAGGCCCCCAGCCCGCCCTGCACGTCCAGGCGCAGGTGAACAACAG-3'
Protein context (NP_006639.3, residues 2084-2104): HSSRSSTSSL[Ala2094Asp]PGPEPGPQPA